The following is an entry in ClinVar:

NM_003392.7(WNT5A):c.635A>G (p.Glu212Gly)

Gene: WNT5A (Wnt family member 5A; minus strand). Cytogenetic location: 3p14.3.
Variant type: single nucleotide variant.
Coding change: c.635A>G on transcript NM_003392.7 (MANE Select); coding-DNA position 635, A replaced by G.
Protein change: p.Glu212Gly; replaces glutamic acid 212 with glycine.
Molecular consequence: missense variant.
Genome position (GRCh38, 1-based): chr3:55,474,386, T>C on the plus strand (A>G on the coding strand, the complement: WNT5A is on the minus strand). VCF-style: chr3-55474386-T-C. GRCh37 (hg19) VCF-style: chr3-55508414-T-C.
Other names: c.590A>G, p.Glu197Gly (NM_001377271.1, NM_001377272.1, NM_001256105.1); short protein forms E197G, E212G.
Identifiers: ClinVar variation 2700815 (VCV002700815.3), dbSNP rs1484487400, ClinGen allele CA353274645.

ClinVar aggregate classification (germline): Uncertain significance (1 of 4 stars; one submission).

Allele frequency attached by ClinVar (database versions not stated): gnomAD exomes below 0.00001.

Submission:

Labcorp Genetics (formerly Invitae), Labcorp
Classification: Uncertain significance. Last evaluated: 2023-06-09. Review status: criteria provided, single submitter. Criteria: Invitae Variant Classification Sherloc (09022015). Collection method: clinical testing. Allele origin: germline.
Comment: In summary, the available evidence is currently insufficient to determine the role of this variant in disease. Therefore, it has been classified as a Variant of Uncertain Significance. Advanced modeling of protein sequence and biophysical properties (such as structural, functional, and spatial information, amino acid conservation, physicochemical variation, residue mobility, and thermodynamic stability) performed at Invitae indicates that this missense variant is not expected to disrupt WNT5A protein function. This variant has not been reported in the literature in individuals affected with WNT5A-related conditions. This variant is present in population databases (no rsID available, gnomAD 0.003%). This sequence change replaces glutamic acid, which is acidic and polar, with glycine, which is neutral and non-polar, at codon 212 of the WNT5A protein (p.Glu212Gly).